The following is an entry in ClinVar:

ClinVar aggregate classification (germline): Uncertain significance. Review status: criteria provided, multiple submitters, no conflicts (2 of 4 stars). 3 submissions from 3 submitters: Uncertain significance (3). Last evaluated 2023-04-11.

Conditions:
Inborn genetic diseases. Identifiers: MedGen C0950123, MeSH D030342.
Immunodeficiency, common variable, 7. Identifiers: Orphanet 1572, Orphanet 696894, MedGen C3542922, MONDO:0013862, OMIM 614699.

Allele frequency attached by ClinVar (database versions not stated): gnomAD exomes 0.00002 and 0.00001; gnomAD 0.00003 and 0.00005; ESP Exome Variant Server 0.00008; ExAC 0.00001; TOPMed 0.00005.
gnomAD v4.1: 24 of 1,613,948 alleles (0.0015%); highest among the groups gnomAD compares: Non-Finnish European, 0.0017%; no homozygotes.

Submissions (3):

Genome-Nilou Lab
Classification: Uncertain significance for Immunodeficiency, common variable, 7. Last evaluated: 2023-04-11. Review status: criteria provided, single submitter. Criteria: ACMG Guidelines, 2015. Collection method: clinical testing. Allele origin: germline. Affected: no.

Labcorp Genetics (formerly Invitae), Labcorp
Classification: Uncertain significance for Immunodeficiency, common variable, 7. Last evaluated: 2022-06-22. Review status: criteria provided, single submitter. Criteria: Invitae Variant Classification Sherloc (09022015). Collection method: clinical testing. Allele origin: germline.
Comment: This sequence change replaces leucine, which is neutral and non-polar, with proline, which is neutral and non-polar, at codon 696 of the CR2 protein (p.Leu696Pro). This variant is present in population databases (rs371283468, gnomAD 0.005%). This variant has not been reported in the literature in individuals affected with CR2-related conditions. Algorithms developed to predict the effect of missense changes on protein structure and function are either unavailable or do not agree on the potential impact of this missense change (SIFT: "Tolerated"; PolyPhen-2: "Possibly Damaging"; Align-GVGD: "Class C0"). In summary, the available evidence is currently insufficient to determine the role of this variant in disease. Therefore, it has been classified as a Variant of Uncertain Significance.

Ambry Genetics
Classification: Uncertain significance for Inborn genetic diseases. Last evaluated: 2021-08-13. Review status: criteria provided, single submitter. Criteria: Ambry Variant Classification Scheme 2023. Collection method: clinical testing. Allele origin: germline.

NM_001006658.3(CR2):c.2087T>C (p.Leu696Pro)

Gene: CR2 (complement C3d receptor 2; plus strand). Cytogenetic location: 1q32.2.
Variant type: single nucleotide variant.
Coding change: c.2087T>C on transcript NM_001006658.3 (MANE Select); coding-DNA position 2087, T replaced by C.
Protein change: p.Leu696Pro; replaces leucine 696 with proline.
Molecular consequence: missense variant. On other transcripts: intron variant (1).
Genome position (GRCh38, 1-based): chr1:207,473,653, T>C. VCF-style: chr1-207473653-T-C. GRCh37 (hg19) VCF-style: chr1-207646998-T-C.
Other names: c.2087T>C (NM_001006658.2); c.1979-148T>C (NM_001877.5); short protein forms L696P.
Identifiers: ClinVar variation 1419121 (VCV001419121.4), dbSNP rs371283468, ClinGen allele CA1368877.